The following is an entry in ClinVar:

NM_000059.4(BRCA2):c.8447G>A (p.Gly2816Asp)

Gene: BRCA2 (BRCA2 DNA repair associated; plus strand). Cytogenetic location: 13q13.1.
Variant type: single nucleotide variant.
Coding change: c.8447G>A on transcript NM_000059.4 (MANE Select); coding-DNA position 8447, G replaced by A.
Protein change: p.Gly2816Asp; replaces glycine 2816 with aspartic acid.
Molecular consequence: missense variant.
Genome position (GRCh38, 1-based): chr13:32,370,517, G>A. VCF-style: chr13-32370517-G-A. GRCh37 (hg19) VCF-style: chr13-32944654-G-A.
Other names: short protein forms G2816D.
Identifiers: ClinVar variation 184949 (VCV000184949.22), dbSNP rs56096120, ClinGen allele CA025648.
Genomic context (GRCh38, chr13:32,370,517, plus strand): 5'-CTGACCCTAGACCTTTTCCTCTGCCCTTATCATCGCTTTTCAGTGATGGAGGAAATGTTG[G>A]TTGTGTTGATGTAATTATTCAAAGAGCATACCCTATACAGGTATGATGTATTCTTGAAAC-3'
Protein context (NP_000050.3, residues 2806-2826): SSLFSDGGNV[Gly2816Asp]CVDVIIQRAY

ClinVar aggregate classification (germline): Conflicting classifications of pathogenicity. Review status: criteria provided, conflicting classifications (1 of 4 stars). 7 submissions from 7 submitters: Uncertain significance (5); Likely benign (1). 1 of the submissions does not count toward it. Last evaluated 2025-06-04.

Conditions:
Hereditary cancer-predisposing syndrome. Also called: Tumor predisposition; Hereditary Cancer Syndrome; Hereditary neoplastic syndrome; Neoplastic Syndromes, Hereditary. Identifiers: Orphanet 140162, MedGen C0027672, MeSH D009386, MONDO:0015356.
Hereditary breast ovarian cancer syndrome. Also called: Breast and ovarian cancer; Hereditary breast and ovarian cancer syndrome; Hereditary breast and ovarian cancer; BRCA1- and BRCA2-Associated Hereditary Breast and Ovarian Cancer; Hereditary breast and ovarian cancer syndrome (HBOC); Hereditary breast and/or ovarian cancer syndrome. Identifiers: Orphanet 145, MedGen C0677776, MeSH D061325, MONDO:0003582. Disease mechanism: loss of function.
Breast-ovarian cancer, familial, susceptibility to, 2 (BROVCA2). Also called: BRCA2 Hereditary Breast and Ovarian Cancer. Identifiers: Orphanet 145, MedGen C2675520, MONDO:0012933, OMIM 612555. Disease mechanism: loss of function.

Submissions (7):

Women's Health and Genetics/Laboratory Corporation of America, LabCorp
Classification: Uncertain significance. Last evaluated: 2025-06-04. Review status: criteria provided, single submitter. Criteria: LabCorp Variant Classification Summary - May 2015. Collection method: clinical testing. Allele origin: germline.
Comment: Variant summary: BRCA2 c.8447G>A (p.Gly2816Asp) results in a non-conservative amino acid change in the encoded protein sequence. Algorithms developed to predict the effect of missense changes on protein structure and function all suggest that this variant is likely to be disruptive. The variant was absent in 251412 control chromosomes (gnomAD). The available data on variant occurrences in the general population are insufficient to allow any conclusion about variant significance. c.8447G>A has been observed in an individual affected with Pancreatic Cancer (Young_2018). This report does not provide unequivocal conclusions about association of the variant with Hereditary Breast And Ovarian Cancer Syndrome. At least one publication reports experimental evidence evaluating an impact on protein function (Hu_2024). These results showed no damaging effect of this variant on HDR function. The following publications have been ascertained in the context of this evaluation (PMID: 29945567, 38417439). ClinVar contains an entry for this variant (Variation ID: 184949). Based on the evidence outlined above, the variant was classified as uncertain significance.

Labcorp Genetics (formerly Invitae), Labcorp
Classification: Uncertain significance for Hereditary breast ovarian cancer syndrome. Last evaluated: 2025-04-23. Review status: criteria provided, single submitter. Criteria: Invitae Variant Classification Sherloc (09022015). Collection method: clinical testing. Allele origin: germline.
Comment: This sequence change replaces glycine, which is neutral and non-polar, with aspartic acid, which is acidic and polar, at codon 2816 of the BRCA2 protein (p.Gly2816Asp). This variant is not present in population databases (gnomAD no frequency). This missense change has been observed in individual(s) with pancreatic cancer (PMID: 29945567). ClinVar contains an entry for this variant (Variation ID: 184949). Invitae Evidence Modeling incorporating data from in vitro experimental studies (PMID: 33609447) indicates that this missense variant is not expected to disrupt BRCA2 function with a negative predictive value of 95%. Experimental studies have shown that this missense change does not substantially affect BRCA2 function (PMID: 29884841). In summary, the available evidence is currently insufficient to determine the role of this variant in disease. Therefore, it has been classified as a Variant of Uncertain Significance.

All of Us Research Program, National Institutes of Health
Classification: Uncertain significance for Breast-ovarian cancer, familial, susceptibility to, 2. Last evaluated: 2023-03-23. Review status: criteria provided, single submitter. Criteria: ACMG Guidelines, 2015. Collection method: clinical testing. Allele origin: germline. Inheritance: Autosomal dominant inheritance. Observed: 1 variant allele, 1 heterozygote.
Comment: This missense variant replaces glycine with aspartic acid at codon 2816 of the BRCA2 protein. Computational prediction is inconclusive regarding the impact of this variant on protein structure and function (internally defined REVEL score threshold 0.5 < inconclusive < 0.7, PMID: 27666373). To our knowledge, functional studies have not been reported for this variant. This variant has not been reported in individuals affected with hereditary cancer in the literature. This variant has not been identified in the general population by the Genome Aggregation Database (gnomAD). The available evidence is insufficient to determine the role of this variant in disease conclusively. Therefore, this variant is classified as a Variant of Uncertain Significance.

This study involves interpretation of variants in research participants for the purpose of population health screening. Participant phenotype was not available at the time of variant classification. Additional details can be found in publication PMID: 35346344, PMCID: PMC8962531

Color Diagnostics, LLC DBA Color Health
Classification: Uncertain significance for Hereditary cancer-predisposing syndrome. Last evaluated: 2023-03-08. Review status: criteria provided, single submitter. Criteria: ACMG Guidelines, 2015. Collection method: clinical testing. Allele origin: germline.
Comment: This missense variant replaces glycine with aspartic acid at codon 2816 of the BRCA2 protein. Computational prediction is inconclusive regarding the impact of this variant on protein structure and function (internally defined REVEL score threshold 0.5 < inconclusive < 0.7, PMID: 27666373). To our knowledge, functional studies have not been reported for this variant. This variant has been reported in an individual with pancreatic cancer (PMID: 29945567). This variant has not been identified in the general population by the Genome Aggregation Database (gnomAD). The available evidence is insufficient to determine the role of this variant in disease conclusively. Therefore, this variant is classified as a Variant of Uncertain Significance.

Quest Diagnostics Nichols Institute San Juan Capistrano
Classification: Uncertain significance. Last evaluated: 2023-03-01. Review status: criteria provided, single submitter. Criteria: Quest Diagnostics criteria. Collection method: clinical testing. Allele origin: unknown.
Comment: It has not been reported in large, multi-ethnic general populations. In the published literature, the variant has been reported in an individual with pancreatic cancer (PMID: 29945567 (2018)). One functional analysis demonstrated this variant to show similar homology-directed repair (HDR) activity as the wild-type (PMID: 29884841 (2019)), but additional functional studies are needed to determine the conclusive effect of this variant on gene and gene product. Analysis of this variant using bioinformatics tools for the prediction of the effect of amino acid changes on protein structure and function yielded predictions that this variant is damaging. Based on the available information, we are unable to determine the clinical significance of this variant.

Ambry Genetics
Classification: Likely benign for Hereditary cancer-predisposing syndrome. Last evaluated: 2020-02-14. Review status: criteria provided, single submitter. Criteria: Ambry Variant Classification Scheme 2023. Collection method: clinical testing. Allele origin: germline.

Counsyl
Classification: Uncertain significance for Breast-ovarian cancer, familial, susceptibility to, 2. Last evaluated: 2015-12-28. Review status: no assertion criteria provided. Collection method: clinical testing. Allele origin: unknown. Not counted in ClinVar's aggregate classification.

Literature cited by the submitters: PubMed 29945567 (cited by 5 submitters); PubMed 38417439 (cited by Women's Health and Genetics/Laboratory Corporation of America, LabCorp); PubMed 33609447 (cited by Labcorp Genetics (formerly Invitae), Labcorp); PubMed 29884841 (cited by 3 submitters).